The following is an entry in ClinVar:

NM_006231.4(POLE):c.4445-33C>T

Gene: POLE (DNA polymerase epsilon, catalytic subunit; minus strand). Cytogenetic location: 12q24.33.
Variant type: single nucleotide variant.
Coding change: c.4445-33C>T on transcript NM_006231.4 (MANE Select); 33 bases into the intron before coding-DNA position 4445, C replaced by T.
Molecular consequence: intron variant.
Genome position (GRCh38, 1-based): chr12:132,643,363, G>A on the plus strand (C>T on the coding strand, the complement: POLE is on the minus strand). VCF-style: chr12-132643363-G-A. GRCh37 (hg19) VCF-style: chr12-133219949-G-A.
Identifiers: ClinVar variation 676503 (VCV000676503.9), dbSNP rs5744942, ClinGen allele CA6892841.

ClinVar aggregate classification (germline): Benign. Review status: criteria provided, multiple submitters, no conflicts (2 of 4 stars). 3 submissions from 3 submitters: Benign (3). Last evaluated 2025-03-04.

Allele frequency attached by ClinVar (database versions not stated): 1000 Genomes Project 0.04653; 1000 Genomes Project 30x 0.05012; ExAC 0.05203; ESP Exome Variant Server 0.05274; gnomAD 0.05396 and 0.05559; TOPMed 0.06007.
gnomAD v4.1: 74,489 of 1,614,170 alleles (4.6%); highest among the groups gnomAD compares: Admixed American, 16%; 2,409 homozygotes.

Submissions (3):

Center for Genomic Medicine, Rigshospitalet, Copenhagen University Hospital
Classification: Benign. Last evaluated: 2025-03-04. Review status: criteria provided, single submitter. Criteria: ACMG Guidelines, 2015. Collection method: clinical testing. Allele origin: germline.

GeneDx
Classification: Benign. Last evaluated: 2018-06-14. Review status: criteria provided, single submitter. Criteria: GeneDx Variant Classification (06012015). Collection method: clinical testing. Allele origin: germline. Affected: yes.
Comment: This variant is considered likely benign or benign based on one or more of the following criteria: it is a conservative change, it occurs at a poorly conserved position in the protein, it is predicted to be benign by multiple in silico algorithms, and/or has population frequency not consistent with disease.

Breakthrough Genomics
Classification: Benign. Review status: criteria provided, single submitter. Criteria: ACMG Guidelines, 2015. Collection method: not provided. Allele origin: germline. Inheritance: Autosomal recessive inheritance. Affected: yes.